The following is an entry in ClinVar:

NM_015335.5(MED13L):c.-9dup

Gene: MED13L (mediator complex subunit 13L; minus strand). Cytogenetic location: 12q24.21.
Variant type: Duplication.
Coding change: c.-9dup on transcript NM_015335.5 (MANE Select); 9 bases upstream of the start codon, one base duplicated (C; older notation c.-9dupC).
Molecular consequence: 5 prime UTR variant.
Genome position (GRCh38, 1-based): chr12:116,277,140, G duplicated on the plus strand (C on the coding strand, the reverse complement: MED13L is on the minus strand). VCF-style (leftmost placement, unchanged base first): chr12-116277139-C-CG. GRCh37 (hg19) VCF-style: chr12-116714944-C-CG.
Identifiers: ClinVar variation 1696336 (VCV001696336.1), dbSNP rs2138617119, ClinGen allele CA2580085865.

ClinVar aggregate classification (germline): Uncertain significance (1 of 4 stars; one submission).

Submission:

Women's Health and Genetics/Laboratory Corporation of America, LabCorp
Classification: Uncertain significance. Last evaluated: 2022-05-13. Review status: criteria provided, single submitter. Criteria: LabCorp Variant Classification Summary - May 2015. Collection method: clinical testing. Allele origin: germline.
Comment: Variant summary: MED13L c.-9dupC is located in the untranslated mRNA region upstream of the initiation codon. The variant was absent in 180786 control chromosomes (gnomAD). The available data on variant occurrences in the general population are insufficient to allow any conclusion about variant significance. To our knowledge, no occurrence of c.-9dupC in individuals affected with Intellectual Disability And Distinctive Facial Features With Or Without Cardiac Defects and no experimental evidence demonstrating its impact on protein function have been reported. No clinical diagnostic laboratories have submitted clinical-significance assessments for this variant to ClinVar after 2014. Based on the evidence outlined above, the variant was classified as uncertain significance.